The following is an entry in ClinVar:

NM_032043.3(BRIP1):c.3370_3371del (p.Glu1124fs)

Gene: BRIP1 (BRCA1 interacting DNA helicase 1; minus strand). Cytogenetic location: 17q23.2.
Variant type: Deletion.
Coding change: c.3370_3371del on transcript NM_032043.3 (MANE Select); coding-DNA positions 3370 to 3371, 2 bases deleted (GA; older notation c.3370_3371delGA).
Protein change: p.Glu1124fs; shifts the reading frame from glutamic acid 1124.
Molecular consequence: frameshift variant.
Genome position (GRCh38, 1-based): chr17:61,683,675-61,683,676, TC deleted on the plus strand (GA on the coding strand, the reverse complement: BRIP1 is on the minus strand); deleting any 2 consecutive bases within chr17:61,683,675-61,683,677 gives the same sequence; the c. name uses the placement nearest the transcript's 3' end. VCF-style (leftmost placement, unchanged base first): chr17-61683674-TTC-T. GRCh37 (hg19) VCF-style: chr17-59761035-TTC-T.
Other names: c.3370_3371delGA (NM_032043.2); short protein forms E1124fs.
Identifiers: ClinVar variation 629477 (VCV000629477.22), dbSNP rs1426528935, ClinGen allele CA627146457.

ClinVar aggregate classification (germline): Conflicting classifications of pathogenicity. Review status: criteria provided, conflicting classifications (1 of 4 stars). 6 submissions from 6 submitters: Likely pathogenic (4); Uncertain significance (2). Last evaluated 2025-04-23.

Conditions:
Hereditary cancer-predisposing syndrome. Also called: Tumor predisposition; Neoplastic Syndromes, Hereditary; Hereditary Cancer Syndrome; Hereditary neoplastic syndrome. Identifiers: Orphanet 140162, MedGen C0027672, MeSH D009386, MONDO:0015356.
Familial cancer of breast. Also called: BREAST CANCER, FAMILIAL; Hereditary breast cancer; hereditary breast carcinoma. Identifiers: Orphanet 227535, MedGen C0346153, MONDO:0016419, OMIM 114480. Disease mechanism: loss of function.
Fanconi anemia complementation group J. Also called: BRIP1-Related Fanconi Anemia. Identifiers: Orphanet 84, MedGen C1836860, MONDO:0012187, OMIM 609054.
Hereditary breast ovarian cancer syndrome. Also called: Hereditary breast and ovarian cancer; Hereditary breast and ovarian cancer syndrome (HBOC); Hereditary breast and/or ovarian cancer syndrome; Hereditary breast and ovarian cancer syndrome; Breast and ovarian cancer; BRCA1- and BRCA2-Associated Hereditary Breast and Ovarian Cancer. Identifiers: Orphanet 145, MedGen C0677776, MeSH D061325, MONDO:0003582. Disease mechanism: loss of function.

Submissions (6):

Ambry Genetics
Classification: Uncertain significance for Hereditary cancer-predisposing syndrome. Last evaluated: 2025-04-23. Review status: criteria provided, single submitter. Criteria: Ambry Variant Classification Scheme 2023. Collection method: clinical testing. Allele origin: germline.
Comment: The c.3370_3371delGA variant, located in coding exon 19 of the BRIP1 gene, results from a deletion of two nucleotides at nucleotide positions 3370 to 3371, causing a translational frameshift with a predicted alternate stop codon (p.E1124Sfs*4). This alteration occurs at the 3' terminus of BRIP1 gene, is not expected to trigger nonsense-mediated mRNA decay, and only impacts the last 125 amino acids of the protein. The exact functional impact of these removed amino acids is unknown. While the C-terminal region of the BRIP1 protein has been shown by structural, biochemical, and mutational analysis to be relevant for some aspects of BRIP1 protein function (Gong Z et al. Mol. Cell, 2010 Feb;37:438-46; Leung CC et al. J. Biol. Chem. 2011 Feb; 286(6):4292-301; Xie J et al. PLoS Genet. 2012 Jul; 8(7):e1002786), functional studies have shown that truncations in the 3' terminus of BRIP1 display normal function in response to intra-strand cross-linking agents (Calvo JA et al. Mol Cancer Res, 2021 Jun;19:1015-1025). In addition, 3' truncations in BRIP1 occurring upstream of this variant have been detected in the homozygous or compound heterozygous state in individuals with no reported features of BRIP1-related Fanconi Anemia (FA-J) (Ambry internal data). Based on the available evidence, the clinical significance of this variant remains unclear.

GeneDx
Classification: Uncertain significance. Last evaluated: 2025-03-20. Review status: criteria provided, single submitter. Criteria: GeneDx Variant Classification Process June 2021. Collection method: clinical testing. Allele origin: germline. Affected: yes.
Comment: Not observed at significant frequency in large population cohorts (gnomAD); Frameshift variant predicted to result in abnormal protein length as the last 126 amino acid(s) are replaced with 3 different amino acid(s); Identified in an individual with personal and family history of breast cancer (PMID: 37461096); This variant is associated with the following publications: (PMID: 37461096)

Quest Diagnostics Nichols Institute San Juan Capistrano
Classification: Likely pathogenic. Last evaluated: 2024-06-18. Review status: criteria provided, single submitter. Criteria: Quest Diagnostics criteria. Collection method: clinical testing. Allele origin: unknown.
Comment: The BRIP1 c.3370_3371del (p.Glu1124Serfs*4) variant alters the translational reading frame of the BRIP1 mRNA and is predicted to cause the premature termination of BRIP1 protein synthesis. This variant has not been reported in individuals with BRIP1-related conditions in the published literature. The frequency of this variant in the general population, 0.000004 (1/250642 chromosomes (Genome Aggregation Database)), is uninformative in the assessment of its pathogenicity. Based on the available information, this variant is classified as likely pathogenic.

Labcorp Genetics (formerly Invitae), Labcorp
Classification: Likely pathogenic for Familial cancer of breast; Fanconi anemia complementation group J. Last evaluated: 2024-05-23. Review status: criteria provided, single submitter. Criteria: Invitae Variant Classification Sherloc (09022015). Collection method: clinical testing. Allele origin: germline.
Comment: This sequence change creates a premature translational stop signal (p.Glu1124Serfs*4) in the BRIP1 gene. While this is not anticipated to result in nonsense mediated decay, it is expected to disrupt the last 126 amino acid(s) of the BRIP1 protein. This variant is present in population databases (no rsID available, gnomAD 0.003%). This variant has not been reported in the literature in individuals affected with BRIP1-related conditions. ClinVar contains an entry for this variant (Variation ID: 629477). This variant disrupts the TopBP1-binding region of the BRIP1 protein, which plays a critical role in RPA chromatin loading and the activation of the replication checkpoint in response to DNA damage (PMID: 20159562, 21127055). While functional studies have not been performed to directly test the effect of this variant on BRIP1 protein function, this suggests that disruption of this region of the protein is causative of disease. In summary, the currently available evidence indicates that the variant is pathogenic, but additional data are needed to prove that conclusively. Therefore, this variant has been classified as Likely Pathogenic.

Color Diagnostics, LLC DBA Color Health
Classification: Likely pathogenic for Hereditary cancer-predisposing syndrome. Last evaluated: 2023-03-07. Review status: criteria provided, single submitter. Criteria: ACMG Guidelines, 2015. Collection method: clinical testing. Allele origin: germline.
Comment: This variant deletes 2 nucleotides in exon 20 of the BRIP1 gene, creating a frameshift and premature translation stop signal in the last exon. This variant is expected to escape nonsense-mediated decay and be expressed as a truncated protein with last 123 amino acids of the protein replaced with 3 novel amino acids. The truncated protein is expected to have a disrupted TopBP1 binding domain (a.a. 1106-1178) and an acetylation site (p.Lys1249) in the C-terminus of the BRIP1 protein, which have been reported to play an important role in DNA replication-stress response and maintaining genomic stability (PMID: 20159562, 21127055, 22792074). To our knowledge, this variant has not been reported in individuals affected with BRIP1-related conditions in the literature. This variant has been identified in 1/250642 chromosomes in the general population by the Genome Aggregation Database (gnomAD). Multiple truncation variants that occur downstream of this variant are reported as disease-causing in ClinVar (e.g. c.3390_3393del (p.Tyr1131Leufs*18), ClinVar variation ID: 229712). Although the exact mechanism by which this variant causes disease is yet to be determined, the available evidence indicates that this variant is likely to disrupt normal BRIP1 protein function. Therefore, this variant is classified as Likely Pathogenic.

Women's Health and Genetics/Laboratory Corporation of America, LabCorp
Classification: Likely pathogenic for Hereditary breast ovarian cancer syndrome. Last evaluated: 2023-02-21. Review status: criteria provided, single submitter. Criteria: LabCorp Variant Classification Summary - May 2015. Collection method: clinical testing. Allele origin: germline.
Comment: Variant summary: BRIP1 c.3370_3371delGA (p.Glu1124SerfsX4) results in a premature termination codon, predicted to cause a truncation of the last 122 amino acids of the encoded protein or absence of the protein due to nonsense mediated decay, which are commonly known mechanisms for disease. Truncations downstream of this position have been classified as pathogenic by our laboratory and in ClinVar. The variant allele was found at a frequency of 4e-06 in 250642 control chromosomes. To our knowledge, no occurrence of c.3370_3371delGA in individuals affected with Hereditary Breast And Ovarian Cancer Syndrome and no experimental evidence demonstrating its impact on protein function have been reported. Four ClinVar submitters have submitted clinical-significance assessments for this variant to ClinVar after 2014. Multiple laboratories reported the variant with conflicting assessments (uncertain significance (n=2), likely pathogenic (n=2)). Based on the evidence outlined above, the variant was classified as likely pathogenic.

Literature cited by the submitters: PubMed 20159562 (cited by 3 submitters); PubMed 21127055 (cited by Labcorp Genetics (formerly Invitae), Labcorp and Color Diagnostics, LLC DBA Color Health); PubMed 22792074 (cited by Color Diagnostics, LLC DBA Color Health).